The following is an entry in ClinVar:

ClinVar aggregate classification (germline): Uncertain significance. Review status: criteria provided, multiple submitters, no conflicts (2 of 4 stars). 3 submissions from 3 submitters: Uncertain significance (2). 1 of the submissions does not count toward it. Last evaluated 2025-11-01.

Conditions:
Hereditary cancer-predisposing syndrome. Also called: Neoplastic Syndromes, Hereditary; Tumor predisposition; Hereditary Cancer Syndrome; Hereditary neoplastic syndrome. Identifiers: Orphanet 140162, MedGen C0027672, MeSH D009386, MONDO:0015356.
Bloom syndrome (BLM). Also called: Bloom-Torre-Machacek syndrome. Identifiers: Orphanet 125, MedGen C0005859, MONDO:0008876, OMIM 210900.

Allele frequency attached by ClinVar (database versions not stated): gnomAD exomes below 0.00001.
gnomAD v4.1: 1 of 1,613,804 alleles (0.000062%); highest among the groups gnomAD compares: Non-Finnish European, 0.000085%; no homozygotes.

Submissions (3):

Ambry Genetics
Classification: Uncertain significance for Hereditary cancer-predisposing syndrome. Last evaluated: 2025-11-01. Review status: criteria provided, single submitter. Criteria: Ambry Variant Classification Scheme 2023. Collection method: clinical testing. Allele origin: germline.
Comment: The p.L647V variant (also known as c.1939C>G), located in coding exon 7 of the BLM gene, results from a C to G substitution at nucleotide position 1939. The leucine at codon 647 is replaced by valine, an amino acid with highly similar properties. This amino acid position is conserved. In addition, this alteration is predicted to be tolerated by in silico analysis. Based on the available evidence, the clinical significance of this variant remains unclear.

Labcorp Genetics (formerly Invitae), Labcorp
Classification: Uncertain significance for Bloom syndrome. Last evaluated: 2025-05-19. Review status: criteria provided, single submitter. Criteria: Invitae Variant Classification Sherloc (09022015). Collection method: clinical testing. Allele origin: germline.
Comment: This sequence change replaces leucine, which is neutral and non-polar, with valine, which is neutral and non-polar, at codon 647 of the BLM protein (p.Leu647Val). This variant is not present in population databases (gnomAD no frequency). This variant has not been reported in the literature in individuals affected with BLM-related conditions. ClinVar contains an entry for this variant (Variation ID: 1001900). Invitae Evidence Modeling of protein sequence and biophysical properties (such as structural, functional, and spatial information, amino acid conservation, physicochemical variation, residue mobility, and thermodynamic stability) indicates that this missense variant is not expected to disrupt BLM protein function with a negative predictive value of 80%. In summary, the available evidence is currently insufficient to determine the role of this variant in disease. Therefore, it has been classified as a Variant of Uncertain Significance.

Natera, Inc.
Classification: Uncertain significance for Bloom syndrome. Last evaluated: 2018-08-23. Review status: no assertion criteria provided. Collection method: clinical testing. Allele origin: germline. Not counted in ClinVar's aggregate classification.

NM_000057.4(BLM):c.1939C>G (p.Leu647Val)

Gene: BLM (BLM RecQ like helicase; plus strand). Cytogenetic location: 15q26.1.
Variant type: single nucleotide variant.
Coding change: c.1939C>G on transcript NM_000057.4 (MANE Select); coding-DNA position 1939, C replaced by G.
Protein change: p.Leu647Val; replaces leucine 647 with valine.
Molecular consequence: missense variant.
Genome position (GRCh38, 1-based): chr15:90,763,022, C>G. VCF-style: chr15-90763022-C-G. GRCh37 (hg19) VCF-style: chr15-91306252-C-G.
Other names: c.1939C>G, p.Leu647Val (NM_001287246.2, NM_001287247.2); c.814C>G, p.Leu272Val (NM_001287248.2); c.1939C>G (NM_000057.2); short protein forms L272V, L647V.
Identifiers: ClinVar variation 1001900 (VCV001001900.11), dbSNP rs1896027269, ClinGen allele CA393844183.